The following is an entry in ClinVar:

ClinVar aggregate classification (germline): Uncertain significance (1 of 4 stars; one submission).

Submission:

Labcorp Genetics (formerly Invitae), Labcorp
Classification: Uncertain significance. Last evaluated: 2022-04-12. Review status: criteria provided, single submitter. Criteria: Invitae Variant Classification Sherloc (09022015). Collection method: clinical testing. Allele origin: germline.
Comment: In summary, the available evidence is currently insufficient to determine the role of this variant in disease. Therefore, it has been classified as a Variant of Uncertain Significance. Algorithms developed to predict the effect of missense changes on protein structure and function are either unavailable or do not agree on the potential impact of this missense change (SIFT: "Deleterious"; PolyPhen-2: "Possibly Damaging"; Align-GVGD: "Class C0"). This variant has not been reported in the literature in individuals affected with ASRGL1-related conditions. This variant is not present in population databases (gnomAD no frequency). This sequence change replaces proline, which is neutral and non-polar, with leucine, which is neutral and non-polar, at codon 59 of the ASRGL1 protein (p.Pro59Leu).

NM_001083926.2(ASRGL1):c.176C>T (p.Pro59Leu)

Gene: ASRGL1 (asparaginase and isoaspartyl peptidase 1; plus strand). Cytogenetic location: 11q12.3.
Variant type: single nucleotide variant.
Coding change: c.176C>T on transcript NM_001083926.2 (MANE Select); coding-DNA position 176, C replaced by T.
Protein change: p.Pro59Leu; replaces proline 59 with leucine.
Molecular consequence: missense variant.
Genome position (GRCh38, 1-based): chr11:62,338,153, C>T. VCF-style: chr11-62338153-C-T. GRCh37 (hg19) VCF-style: chr11-62105625-C-T.
Other names: c.176C>T, p.Pro59Leu (NM_025080.4); short protein forms P59L.
Identifiers: ClinVar variation 2112138 (VCV002112138.4), dbSNP rs2495147815, ClinGen allele CA380863811.